The following is an entry in ClinVar:

ClinVar aggregate classification (germline): Likely benign. Review status: criteria provided, multiple submitters, no conflicts (2 of 4 stars). 2 submissions from 2 submitters: Likely benign (2). Last evaluated 2025-12-29.

Conditions:
CYP7A1-related disorder. Also called: CYP7A1-related condition.

Submissions (2):

PreventionGenetics, part of Exact Sciences
Classification: Likely benign for CYP7A1-related condition. Last evaluated: 2025-12-29. Review status: criteria provided, single submitter. Criteria: ACMG Guidelines, 2015. Collection method: clinical testing. Allele origin: germline.
Comment: This variant is classified as likely benign based on ACMG/AMP sequence variant interpretation guidelines (Richards et al. 2015 PMID: 25741868, with internal and published modifications).

Labcorp Genetics (formerly Invitae), Labcorp
Classification: Likely benign. Last evaluated: 2022-09-25. Review status: criteria provided, single submitter. Criteria: Invitae Variant Classification Sherloc (09022015). Collection method: clinical testing. Allele origin: germline.

NM_000780.4(CYP7A1):c.114A>G (p.Leu38=)

Gene: CYP7A1 (cytochrome P450 family 7 subfamily A member 1; minus strand). Cytogenetic location: 8q12.1.
Variant type: single nucleotide variant.
Coding change: c.114A>G on transcript NM_000780.4 (MANE Select); coding-DNA position 114, A replaced by G.
Protein change: p.Leu38=; no amino-acid change (leucine 38 retained).
Molecular consequence: synonymous variant.
Genome position (GRCh38, 1-based): chr8:58,498,436, T>C on the plus strand (A>G on the coding strand, the complement: CYP7A1 is on the minus strand). VCF-style: chr8-58498436-T-C. GRCh37 (hg19) VCF-style: chr8-59410995-T-C.
Other names: c.114A>G (NM_000780.3).
Identifiers: ClinVar variation 1934811 (VCV001934811.6), dbSNP rs2487042813, ClinGen allele CA461103526.
Genomic context (GRCh38, chr8:58,498,436, plus strand): 5'-TGCTCTGAGGAACTCAAGAGGATTGGCACCAAATTGCAGAGCACAGCCCAGGTATGGAAT[T>C]AATCCATTCTCTAGAGGTGGTTCACCCGTTTGCCTGTCAGACACAAGTGTATGATAGACA-3'
Protein context (NP_000771.2, residues 28-48): QTGEPPLENG[Leu38=]IPYLGCALQF